The following is an entry in ClinVar:

NM_002661.5(PLCG2):c.2081G>T (p.Arg694Leu)

Gene: PLCG2 (phospholipase C gamma 2; plus strand). Cytogenetic location: 16q23.3.
Variant type: single nucleotide variant.
Coding change: c.2081G>T on transcript NM_002661.5 (MANE Select); coding-DNA position 2081, G replaced by T.
Protein change: p.Arg694Leu; replaces arginine 694 with leucine.
Molecular consequence: missense variant.
Genome position (GRCh38, 1-based): chr16:81,919,510, G>T. VCF-style: chr16-81919510-G-T. GRCh37 (hg19) VCF-style: chr16-81953115-G-T.
Other names: c.2081G>T, p.Arg694Leu (NM_001425749.1, NM_001425750.1, NM_001425751.1); short protein forms R694L.
Identifiers: ClinVar variation 4726725 (VCV004726725.1).
Genomic context (GRCh38, chr16:81,919,510, plus strand): 5'-TTGGCATGTCAACCCTGTGTTCTTCCTGCTCCAGGGCTAGGGGCAAGGTAAAGCATTGTC[G>T]CATCAACCGGGACGGCCGGCACTTTGTGCTGGGGACCTCCGCCTATTTTGAGAGTCTGGT-3'
Protein context (NP_002652.2, residues 684-704): FRARGKVKHC[Arg694Leu]INRDGRHFVL

ClinVar aggregate classification (germline): Uncertain significance (1 of 4 stars; one submission).

Conditions:
Familial cold autoinflammatory syndrome 3 (FCAS3). Also called: FAMILIAL ATYPICAL COLD URTICARIA; ANTIBODY DEFICIENCY AND IMMUNE DYSREGULATION, PLCG2-ASSOCIATED. Identifiers: Orphanet 300359, MedGen C3280914, MONDO:0013766, OMIM 614468.

gnomAD v4.1: 1 of 1,613,876 alleles (0.000062%); highest among the groups gnomAD compares: Non-Finnish European, 0.000085%; no homozygotes.

Submission:

Labcorp Genetics (formerly Invitae), Labcorp
Classification: Uncertain significance for Familial cold autoinflammatory syndrome 3. Last evaluated: 2025-09-06. Review status: criteria provided, single submitter. Criteria: Invitae Variant Classification Sherloc (09022015). Collection method: clinical testing. Allele origin: germline.
Comment: This sequence change replaces arginine, which is basic and polar, with leucine, which is neutral and non-polar, at codon 694 of the PLCG2 protein (p.Arg694Leu). This variant is present in population databases (no rsID available, gnomAD 0.0009%). This variant has not been reported in the literature in individuals affected with PLCG2-related conditions. An algorithm developed to predict the effect of missense changes on protein structure and function (PolyPhen-2) suggests that this variant is likely to be tolerated. In summary, the available evidence is currently insufficient to determine the role of this variant in disease. Therefore, it has been classified as a Variant of Uncertain Significance.